The following is an entry in ClinVar:

NM_080424.4(SP110):c.1900G>C (p.Gly634Arg)

Gene: SP110 (SP110 nuclear body protein; minus strand). Cytogenetic location: 2q37.1.
Variant type: single nucleotide variant.
Coding change: c.1900G>C on transcript NM_080424.4 (MANE Select); coding-DNA position 1900, G replaced by C.
Protein change: p.Gly634Arg; replaces glycine 634 with arginine.
Molecular consequence: missense variant. On other transcripts: intron variant (1).
Genome position (GRCh38, 1-based): chr2:230,170,749, C>G on the plus strand (G>C on the coding strand, the complement: SP110 is on the minus strand). VCF-style: chr2-230170749-C-G. GRCh37 (hg19) VCF-style: chr2-231035465-C-G.
Other names: c.1996G>C, p.Gly666Arg (NM_001378442.1); c.1978G>C, p.Gly660Arg (NM_001378443.1); c.1918G>C, p.Gly640Arg (NM_001378444.1); c.1846G>C, p.Gly616Arg (NM_001378445.1); c.1828G>C, p.Gly610Arg (NM_004509.5); c.1833+1317G>C (NM_001378446.1); short protein forms G616R, G666R, G634R, G640R, G660R, G610R.
Identifiers: ClinVar variation 1511285 (VCV001511285.6), dbSNP rs200027337, ClinGen allele CA350898246.

ClinVar aggregate classification (germline): Uncertain significance (1 of 4 stars; one submission).

Conditions:
Hepatic veno-occlusive disease-immunodeficiency syndrome. Also called: Hepatic Veno-Occlusive Disease with Immunodeficiency. Identifiers: Orphanet 79124, MedGen C1856128, MONDO:0009338, OMIM 235550. Disease mechanism: loss of function.

Submission:

Labcorp Genetics (formerly Invitae), Labcorp
Classification: Uncertain significance for Hepatic veno-occlusive disease-immunodeficiency syndrome. Last evaluated: 2021-11-07. Review status: criteria provided, single submitter. Criteria: Invitae Variant Classification Sherloc (09022015). Collection method: clinical testing. Allele origin: germline.
Comment: This sequence change replaces glycine, which is neutral and non-polar, with arginine, which is basic and polar, at codon 610 of the SP110 protein (p.Gly610Arg). This variant is not present in population databases (gnomAD no frequency). This variant has not been reported in the literature in individuals affected with SP110-related conditions. Algorithms developed to predict the effect of missense changes on protein structure and function are either unavailable or do not agree on the potential impact of this missense change (SIFT: "Deleterious"; PolyPhen-2: "Probably Damaging"; Align-GVGD: "Class C0"). In summary, the available evidence is currently insufficient to determine the role of this variant in disease. Therefore, it has been classified as a Variant of Uncertain Significance.